The following is an entry in ClinVar:

NM_005027.4(PIK3R2):c.2152G>T (p.Ala718Ser)

Gene: PIK3R2 (phosphoinositide-3-kinase regulatory subunit 2; plus strand). Cytogenetic location: 19p13.11.
Variant type: single nucleotide variant.
Coding change: c.2152G>T on transcript NM_005027.4 (MANE Select); coding-DNA position 2152, G replaced by T.
Protein change: p.Ala718Ser; replaces alanine 718 with serine.
Molecular consequence: missense variant. On other transcripts: non-coding transcript variant (2).
Genome position (GRCh38, 1-based): chr19:18,169,259, G>T. VCF-style: chr19-18169259-G-T. GRCh37 (hg19) VCF-style: chr19-18280069-G-T.
Other names: short protein forms A718S.
Identifiers: ClinVar variation 2165225 (VCV002165225.4), dbSNP rs1321931050, ClinGen allele CA404817512.
Genomic context (GRCh38, chr19:18,169,259, plus strand): 5'-CACGCCTCGCTGGTGCAGCACAACGACGCGCTCACCGTCACCCTGGCGCACCCAGTGCGC[G>T]CCCCGGGCCCCGGCCCGCCGCCTGCCGCCCGCTGAGCACCGAGGACCCGCCCCAAGCAGA-3'
Protein context (NP_005018.2, residues 708-728): LTVTLAHPVR[Ala718Ser]PGPGPPPAAR

ClinVar aggregate classification (germline): Uncertain significance (1 of 4 stars; one submission).

Conditions:
Megalencephaly-polymicrogyria-postaxial polydactyly-hydrocephalus syndrome. Also called: MPPH Syndrome; MEG-PMG-MEGACC SYNDROME. Identifiers: Orphanet 83473, MedGen C1863924, MONDO:0019375.

Allele frequency attached by ClinVar (database versions not stated): gnomAD 0.00001.
gnomAD v4.1: 3 of 1,536,532 alleles (0.0002%); highest among the groups gnomAD compares: Admixed American, 0.002%; no homozygotes.

Submission:

Labcorp Genetics (formerly Invitae), Labcorp
Classification: Uncertain significance for Megalencephaly-polymicrogyria-postaxial polydactyly-hydrocephalus syndrome. Last evaluated: 2022-02-20. Review status: criteria provided, single submitter. Criteria: Invitae Variant Classification Sherloc (09022015). Collection method: clinical testing. Allele origin: germline.
Comment: This variant has not been reported in the literature in individuals affected with PIK3R2-related conditions. This variant is not present in population databases (gnomAD no frequency). This sequence change replaces alanine, which is neutral and non-polar, with serine, which is neutral and polar, at codon 718 of the PIK3R2 protein (p.Ala718Ser). Advanced modeling of protein sequence and biophysical properties (such as structural, functional, and spatial information, amino acid conservation, physicochemical variation, residue mobility, and thermodynamic stability) performed at Invitae indicates that this missense variant is not expected to disrupt PIK3R2 protein function. In summary, the available evidence is currently insufficient to determine the role of this variant in disease. Therefore, it has been classified as a Variant of Uncertain Significance.